The following is an entry in ClinVar:

NC_000016.9:g.(?_70286624)_(70293109_?)del

Gene: AARS1 (alanyl-tRNA synthetase 1; minus strand). Cytogenetic location: 16q22.1.
Variant type: Deletion.
Identifiers: ClinVar variation 1682040 (VCV001682040.4).

ClinVar aggregate classification (germline): Uncertain significance (1 of 4 stars; one submission).

Conditions:
Charcot-Marie-Tooth disease type 2. Also called: Charcot-Marie-Tooth type 2. Identifiers: Orphanet 64746, MedGen C0270914, MONDO:0018993.

Submission:

Labcorp Genetics (formerly Invitae), Labcorp
Classification: Uncertain significance for Charcot-Marie-Tooth disease type 2. Last evaluated: 2021-09-26. Review status: criteria provided, single submitter. Criteria: Invitae Variant Classification Sherloc (09022015). Collection method: clinical testing. Allele origin: germline.
Comment: In summary, the available evidence is currently insufficient to determine the role of this variant in disease. Therefore, it has been classified as a Variant of Uncertain Significance. This variant has not been reported in the literature in individuals affected with AARS-related conditions. This variant is a gross deletion of the genomic region encompassing exon(s) 14-21 of the AARS gene, which includes the termination codon. This deletion extends beyond the assayed region for this gene and therefore may encompass additional genes. While this deletion is not anticipated to lead to nonsense mediated decay, it is expected to alter mRNA translation or result in a truncated protein product.